The following is an entry in ClinVar:

NM_003924.4(PHOX2B):c.532T>A (p.Ser178Thr)

Gene: PHOX2B (paired like homeobox 2B; minus strand). Cytogenetic location: 4p13.
Variant type: single nucleotide variant.
Coding change: c.532T>A on transcript NM_003924.4 (MANE Select); coding-DNA position 532, T replaced by A.
Protein change: p.Ser178Thr; replaces serine 178 with threonine.
Molecular consequence: missense variant.
Genome position (GRCh38, 1-based): chr4:41,746,220, A>T on the plus strand (T>A on the coding strand, the complement: PHOX2B is on the minus strand). VCF-style: chr4-41746220-A-T. GRCh37 (hg19) VCF-style: chr4-41748237-A-T.
Other names: short protein forms S178T.
Identifiers: ClinVar variation 639964 (VCV000639964.10), dbSNP rs1577559313, ClinGen allele CA356738302.

ClinVar aggregate classification (germline): Uncertain significance (1 of 4 stars; one submission).

Conditions:
Haddad syndrome (OHD). Also called: Ondine-Hirschsprung disease. Identifiers: Orphanet 99803, MedGen C1859049, MONDO:0020493.

Submission:

Labcorp Genetics (formerly Invitae), Labcorp
Classification: Uncertain significance for Haddad syndrome. Last evaluated: 2018-09-18. Review status: criteria provided, single submitter. Criteria: Invitae Variant Classification Sherloc (09022015). Collection method: clinical testing. Allele origin: germline.
Comment: This variant is not present in population databases (ExAC no frequency). This variant has not been reported in the literature in individuals with PHOX2B-related disease. Algorithms developed to predict the effect of missense changes on protein structure and function (SIFT, PolyPhen-2, Align-GVGD) all suggest that this variant is likely to be tolerated, but these predictions have not been confirmed by published functional studies and their clinical significance is uncertain. In summary, the available evidence is currently insufficient to determine the role of this variant in disease. Therefore, it has been classified as a Variant of Uncertain Significance. This sequence change replaces serine with threonine at codon 178 of the PHOX2B protein (p.Ser178Thr). The serine residue is moderately conserved and there is a small physicochemical difference between serine and threonine.